The following is an entry in ClinVar:

NM_001020658.2(PUM1):c.3151G>A (p.Val1051Ile)

Gene: PUM1 (pumilio RNA binding family member 1; minus strand). Cytogenetic location: 1p35.2.
Variant type: single nucleotide variant.
Coding change: c.3151G>A on transcript NM_001020658.2 (MANE Select); coding-DNA position 3151, G replaced by A.
Protein change: p.Val1051Ile; replaces valine 1051 with isoleucine.
Molecular consequence: missense variant.
Genome position (GRCh38, 1-based): chr1:30,941,242, C>T on the plus strand (G>A on the coding strand, the complement: PUM1 is on the minus strand). VCF-style: chr1-30941242-C-T. GRCh37 (hg19) VCF-style: chr1-31414089-C-T.
Other names: c.3145G>A, p.Val1049Ile (NM_014676.3); short protein forms V1049I, V1051I.
Identifiers: ClinVar variation 4056846 (VCV004056846.1).

ClinVar aggregate classification (germline): Uncertain significance (1 of 4 stars; one submission).

gnomAD v4.1: 1 of 1,611,946 alleles (0.000062%); highest among the groups gnomAD compares: Non-Finnish European, 0.000085%; no homozygotes.

Submission:

GeneDx
Classification: Uncertain significance. Last evaluated: 2025-01-10. Review status: criteria provided, single submitter. Criteria: GeneDx Variant Classification Process June 2021. Collection method: clinical testing. Allele origin: germline. Affected: yes.
Comment: Not observed at significant frequency in large population cohorts (gnomAD); In silico analysis indicates that this missense variant does not alter protein structure/function; Has not been previously published as pathogenic or benign to our knowledge